The following is an entry in ClinVar:

ClinVar aggregate classification (germline): Uncertain significance (1 of 4 stars; one submission).

gnomAD v4.1: 3 of 1,613,994 alleles (0.00019%); highest among the groups gnomAD compares: Non-Finnish European, 0.00017%; no homozygotes.

Submission:

Labcorp Genetics (formerly Invitae), Labcorp
Classification: Uncertain significance. Last evaluated: 2024-12-24. Review status: criteria provided, single submitter. Criteria: Invitae Variant Classification Sherloc (09022015). Collection method: clinical testing. Allele origin: germline.
Comment: This sequence change replaces serine, which is neutral and polar, with threonine, which is neutral and polar, at codon 423 of the ZIC1 protein (p.Ser423Thr). This variant is not present in population databases (gnomAD no frequency). This variant has not been reported in the literature in individuals affected with ZIC1-related conditions. Invitae Evidence Modeling of protein sequence and biophysical properties (such as structural, functional, and spatial information, amino acid conservation, physicochemical variation, residue mobility, and thermodynamic stability) indicates that this missense variant is not expected to disrupt ZIC1 protein function with a negative predictive value of 80%. In summary, the available evidence is currently insufficient to determine the role of this variant in disease. Therefore, it has been classified as a Variant of Uncertain Significance.

NM_003412.4(ZIC1):c.1267T>A (p.Ser423Thr)

Gene: ZIC1 (Zic family zinc finger 1; plus strand). Cytogenetic location: 3q24.
Variant type: single nucleotide variant.
Coding change: c.1267T>A on transcript NM_003412.4 (MANE Select); coding-DNA position 1267, T replaced by A.
Protein change: p.Ser423Thr; replaces serine 423 with threonine.
Molecular consequence: missense variant.
Genome position (GRCh38, 1-based): chr3:147,413,474, T>A. VCF-style: chr3-147413474-T-A. GRCh37 (hg19) VCF-style: chr3-147131261-T-A.
Other names: short protein forms S423T.
Identifiers: ClinVar variation 3694723 (VCV003694723.2).